The following is an entry in ClinVar:

ClinVar aggregate classification (germline): Conflicting classifications of pathogenicity. Review status: criteria provided, conflicting classifications (1 of 4 stars). 3 submissions from 3 submitters: Uncertain significance (2); Likely benign (1). Last evaluated 2026-01-28.

Conditions:
Hereditary cancer-predisposing syndrome. Also called: Hereditary Cancer Syndrome; Neoplastic Syndromes, Hereditary; Tumor predisposition; Hereditary neoplastic syndrome. Identifiers: Orphanet 140162, MedGen C0027672, MeSH D009386, MONDO:0015356.
Fanconi anemia complementation group J. Also called: BRIP1-Related Fanconi Anemia. Identifiers: Orphanet 84, MedGen C1836860, MONDO:0012187, OMIM 609054.
Familial cancer of breast. Also called: Hereditary breast cancer; hereditary breast carcinoma; BREAST CANCER, FAMILIAL. Identifiers: Orphanet 227535, MedGen C0346153, MONDO:0016419, OMIM 114480. Disease mechanism: loss of function.

gnomAD v4.1: 1 of 1,613,928 alleles (0.000062%); highest among the groups gnomAD compares: Non-Finnish European, 0.000085%; no homozygotes.

Submissions (3):

Labcorp Genetics (formerly Invitae), Labcorp
Classification: Uncertain significance for Familial cancer of breast; Fanconi anemia complementation group J. Last evaluated: 2026-01-28. Review status: criteria provided, single submitter. Criteria: Invitae Variant Classification Sherloc (09022015). Collection method: clinical testing. Allele origin: germline.
Comment: This sequence change replaces alanine, which is neutral and non-polar, with serine, which is neutral and polar, at codon 349 of the BRIP1 protein (p.Ala349Ser). This variant is not present in population databases (gnomAD no frequency). This variant has not been reported in the literature in individuals affected with BRIP1-related conditions. ClinVar contains an entry for this variant (Variation ID: 230722). Invitae Evidence Modeling of protein sequence and biophysical properties (such as structural, functional, and spatial information, amino acid conservation, physicochemical variation, residue mobility, and thermodynamic stability) indicates that this missense variant is not expected to disrupt BRIP1 protein function with a negative predictive value of 95%. This variant disrupts the p.Ala349 amino acid residue in BRIP1. Other variant(s) that disrupt this residue have been determined to be pathogenic (PMID: 16116424, 16973432, 20639400, 24448499, 27107905). This suggests that this residue is clinically significant, and that variants that disrupt this residue are likely to be disease-causing. In summary, the available evidence is currently insufficient to determine the role of this variant in disease. Therefore, it has been classified as a Variant of Uncertain Significance.

Ambry Genetics
Classification: Likely benign for Hereditary cancer-predisposing syndrome. Last evaluated: 2024-10-04. Review status: criteria provided, single submitter. Criteria: Ambry Variant Classification Scheme 2023. Collection method: clinical testing. Allele origin: germline.

GeneDx
Classification: Uncertain significance. Last evaluated: 2022-06-08. Review status: criteria provided, single submitter. Criteria: GeneDx Variant Classification Process June 2021. Collection method: clinical testing. Allele origin: germline. Affected: yes.
Comment: Not observed at significant frequency in large population cohorts (gnomAD); In silico analysis supports that this missense variant does not alter protein structure/function; Has not been previously published as pathogenic or benign to our knowledge; This variant is associated with the following publications: (PMID: 16116424)

Literature cited by the submitters: PubMed 16116424 (cited by Labcorp Genetics (formerly Invitae), Labcorp); PubMed 16973432 (cited by Labcorp Genetics (formerly Invitae), Labcorp); PubMed 20639400 (cited by Labcorp Genetics (formerly Invitae), Labcorp); PubMed 24448499 (cited by Labcorp Genetics (formerly Invitae), Labcorp); PubMed 27107905 (cited by Labcorp Genetics (formerly Invitae), Labcorp).

NM_032043.3(BRIP1):c.1045G>T (p.Ala349Ser)

Gene: BRIP1 (BRCA1 interacting DNA helicase 1; minus strand). Cytogenetic location: 17q23.2.
Variant type: single nucleotide variant.
Coding change: c.1045G>T on transcript NM_032043.3 (MANE Select); coding-DNA position 1045, G replaced by T.
Protein change: p.Ala349Ser; replaces alanine 349 with serine.
Molecular consequence: missense variant.
Genome position (GRCh38, 1-based): chr17:61,801,348, C>A on the plus strand (G>T on the coding strand, the complement: BRIP1 is on the minus strand). VCF-style: chr17-61801348-C-A. GRCh37 (hg19) VCF-style: chr17-59878709-C-A.
Other names: short protein forms A349S.
Identifiers: ClinVar variation 230722 (VCV000230722.14), dbSNP rs149364097, ClinGen allele CA10580847.